The following is an entry in ClinVar:

ClinVar aggregate classification (germline): Uncertain significance (1 of 4 stars; one submission).

Conditions:
Developmental and epileptic encephalopathy, 11 (DEE11). Also called: Early infantile epileptic encephalopathy 11. Identifiers: Orphanet 1934, MedGen C3150987, MONDO:0013388, OMIM 613721.
Seizures, benign familial infantile, 3 (BFIS3). Also called: CONVULSIONS, BENIGN FAMILIAL INFANTILE, 3; Familial neonatal seizures. Identifiers: Orphanet 140927, Orphanet 306, MedGen C1843140, MONDO:0011904, OMIM 607745.

gnomAD v4.1: 23 of 1,613,720 alleles (0.0014%); highest among the groups gnomAD compares: Non-Finnish European, 0.0019%; no homozygotes.

Submission:

Labcorp Genetics (formerly Invitae), Labcorp
Classification: Uncertain significance for Seizures, benign familial infantile, 3; Developmental and epileptic encephalopathy, 11. Last evaluated: 2025-02-26. Review status: criteria provided, single submitter. Criteria: Invitae Variant Classification Sherloc (09022015). Collection method: clinical testing. Allele origin: germline.
Comment: This sequence change replaces alanine, which is neutral and non-polar, with serine, which is neutral and polar, at codon 1169 of the SCN2A protein (p.Ala1169Ser). This variant is present in population databases (no rsID available, gnomAD 0.007%). This variant has not been reported in the literature in individuals affected with SCN2A-related conditions. Invitae Evidence Modeling of protein sequence and biophysical properties (such as structural, functional, and spatial information, amino acid conservation, physicochemical variation, residue mobility, and thermodynamic stability) has been performed for this missense variant. However, the output from this modeling did not meet the statistical confidence thresholds required to predict the impact of this variant on SCN2A protein function. In summary, the available evidence is currently insufficient to determine the role of this variant in disease. Therefore, it has been classified as a Variant of Uncertain Significance.

NM_001040142.2(SCN2A):c.3505G>T (p.Ala1169Ser)

Gene: SCN2A (sodium voltage-gated channel alpha subunit 2; plus strand). Cytogenetic location: 2q24.3.
Variant type: single nucleotide variant.
Coding change: c.3505G>T on transcript NM_001040142.2 (MANE Select); coding-DNA position 3505, G replaced by T.
Protein change: p.Ala1169Ser; replaces alanine 1169 with serine.
Molecular consequence: missense variant.
Genome position (GRCh38, 1-based): chr2:165,365,248, G>T. VCF-style: chr2-165365248-G-T. GRCh37 (hg19) VCF-style: chr2-166221758-G-T.
Other names: c.3505G>T, p.Ala1169Ser (NM_001040143.2, NM_001371246.1, NM_001371247.1 and 1 more transcripts); short protein forms A1169S.
Identifiers: ClinVar variation 4782621 (VCV004782621.1).